The following is an entry in ClinVar:

ClinVar aggregate classification (germline): Pathogenic (1 of 4 stars; one submission).

Conditions:
Familial thoracic aortic aneurysm and aortic dissection (TAAD). Also called: Thoracic aortic aneurysms and dissections. Identifiers: Orphanet 91387, MedGen C4707243, MONDO:0019625.
Marfan syndrome (MFS). Also called: FBN1-Related Marfan Syndrome; Marfan's syndrome; MARFAN SYNDROME, TYPE I; Marfan syndrome type 1; Marfan syndrome, classic. Identifiers: Orphanet 284963, Orphanet 558, MedGen C0024796, MONDO:0007947, OMIM 154700.

Submission:

Labcorp Genetics (formerly Invitae), Labcorp
Classification: Pathogenic for Marfan syndrome; Familial thoracic aortic aneurysm and aortic dissection. Last evaluated: 2019-04-09. Review status: criteria provided, single submitter. Criteria: Invitae Variant Classification Sherloc (09022015). Collection method: clinical testing. Allele origin: germline.
Comment: This sequence change creates a premature translational stop signal (p.Asn1730Thrfs*163) in the FBN1 gene. It is expected to result in an absent or disrupted protein product. This variant is not present in population databases (ExAC no frequency). This variant has not been reported in the literature in individuals with FBN1-related conditions. Loss-of-function variants in FBN1 are known to be pathogenic (PMID: 17657824, 19293843). For these reasons, this variant has been classified as Pathogenic.

Literature cited by the submitters: PubMed 17657824; PubMed 19293843.

NM_000138.5(FBN1):c.5189del (p.Asn1730fs)

Gene: FBN1 (fibrillin 1; minus strand). Cytogenetic location: 15q21.1.
Variant type: Deletion.
Coding change: c.5189del on transcript NM_000138.5 (MANE Select); coding-DNA position 5189, one base deleted (A; older notation c.5189delA).
Protein change: p.Asn1730fs; shifts the reading frame from asparagine 1730.
Molecular consequence: frameshift variant.
Genome position (GRCh38, 1-based): chr15:48,463,117, T deleted on the plus strand (A on the coding strand, the reverse complement: FBN1 is on the minus strand); the first of 2 consecutive T bases (chr15:48,463,117-48,463,118); deleting either gives the same sequence. VCF-style (leftmost placement, unchanged base first): chr15-48463116-GT-G. GRCh37 (hg19) VCF-style: chr15-48755313-GT-G.
Other names: short protein forms N1730fs.
Identifiers: ClinVar variation 864422 (VCV000864422.7), dbSNP rs2043292163, ClinGen allele CA916082392.